The following is an entry in ClinVar:

ClinVar aggregate classification (germline): Benign/Likely benign. Review status: criteria provided, multiple submitters, no conflicts (2 of 4 stars). 4 submissions from 4 submitters: Benign (2); Likely benign (2). Last evaluated 2025-12-29.

Conditions:
Mulibrey nanism syndrome. Also called: PERHEENTUPA SYNDROME; PERICARDIAL CONSTRICTION AND GROWTH FAILURE; MUSCLE-LIVER-BRAIN-EYE NANISM. Identifiers: Orphanet 2576, MedGen C0524582, MONDO:0009664, OMIM 253250.

Allele frequency attached by ClinVar (database versions not stated): gnomAD exomes 0.00037 and 0.00091; ExAC 0.00098; 1000 Genomes Project 30x 0.00312; gnomAD 0.00332 and 0.00368; TOPMed 0.00376; 1000 Genomes Project 0.00379; ESP Exome Variant Server 0.00392.
gnomAD v4.1: 1,110 of 1,613,184 alleles (0.069%); highest among the groups gnomAD compares: African/African-American, 1.2%; 10 homozygotes.

Submissions (4):

Labcorp Genetics (formerly Invitae), Labcorp
Classification: Benign. Last evaluated: 2025-12-29. Review status: criteria provided, single submitter. Criteria: Invitae Variant Classification Sherloc (09022015). Collection method: clinical testing. Allele origin: germline.

CeGaT Center for Human Genetics Tuebingen
Classification: Benign. Last evaluated: 2024-01-01. Review status: criteria provided, single submitter. Criteria: CeGaT Center For Human Genetics Tuebingen Variant Classification Criteria Version 2. Collection method: clinical testing. Allele origin: germline. Affected: yes. Observed: 1 variant allele.
Comment: TRIM37: BP4, BS1, BS2

Illumina Laboratory Services, Illumina
Classification: Likely benign for Mulibrey nanism syndrome. Last evaluated: 2018-01-13. Review status: criteria provided, single submitter. Criteria: ICSL Variant Classification Criteria 13 December 2019. Collection method: clinical testing. Allele origin: germline.
Comment: This variant was observed in the ICSL laboratory as part of a predisposition screen in an ostensibly healthy population. It had not been previously curated by ICSL or reported in the Human Gene Mutation Database (HGMD: prior to June 1st, 2018), and was therefore a candidate for classification through an automated scoring system. Utilizing variant allele frequency, disease prevalence and penetrance estimates, and inheritance mode, an automated score was calculated to assess if this variant is too frequent to cause the disease. Based on the score and internal cut-off values, a variant classified as likely benign is not then subjected to further curation. The score for this variant resulted in a classification of likely benign for this disease.

Breakthrough Genomics
Classification: Likely benign. Review status: criteria provided, single submitter. Criteria: ACMG Guidelines, 2015. Collection method: not provided. Allele origin: germline. Inheritance: Autosomal recessive inheritance. Affected: yes.

NM_015294.6(TRIM37):c.1748C>A (p.Pro583His)

Gene: TRIM37 (tripartite motif containing 37; minus strand). Cytogenetic location: 17q22.
Variant type: single nucleotide variant.
Coding change: c.1748C>A on transcript NM_015294.6 (MANE Select); coding-DNA position 1748, C replaced by A.
Protein change: p.Pro583His; replaces proline 583 with histidine.
Molecular consequence: missense variant. On other transcripts: non-coding transcript variant (2).
Genome position (GRCh38, 1-based): chr17:59,041,818, G>T on the plus strand (C>A on the coding strand, the complement: TRIM37 is on the minus strand). VCF-style: chr17-59041818-G-T. GRCh37 (hg19) VCF-style: chr17-57119179-G-T.
Other names: c.1748C>A, p.Pro583His (NM_001005207.5, NM_001320988.3, NM_001320989.3 and 1 more transcripts); c.1646C>A, p.Pro549His (NM_001320987.3, NM_001353082.2); c.1382C>A, p.Pro461His (NM_001320990.3); c.1013C>A, p.Pro338His (NM_001353083.2); c.1286C>A, p.Pro429His (NM_001353085.2); c.1697C>A, p.Pro566His (NM_001353086.2); short protein forms P583H, P338H, P429H, P549H, P566H, P461H.
Identifiers: ClinVar variation 324198 (VCV000324198.37), dbSNP rs147363016, ClinGen allele CA8678219.